The following is an entry in ClinVar:

NM_014991.6(WDFY3):c.6973C>T (p.Gln2325Ter)

Gene: WDFY3 (WD repeat and FYVE domain containing 3; minus strand). Cytogenetic location: 4q21.23.
Variant type: single nucleotide variant.
Coding change: c.6973C>T on transcript NM_014991.6 (MANE Select); coding-DNA position 6973, C replaced by T.
Protein change: p.Gln2325Ter; replaces glutamine 2325 with a stop codon.
Molecular consequence: nonsense.
Genome position (GRCh38, 1-based): chr4:84,735,063, G>A on the plus strand (C>T on the coding strand, the complement: WDFY3 is on the minus strand). VCF-style: chr4-84735063-G-A. GRCh37 (hg19) VCF-style: chr4-85656216-G-A.
Other names: short protein forms Q2325*.
Identifiers: ClinVar variation 4832982 (VCV004832982.1).
Genomic context (GRCh38, chr4:84,735,063, plus strand): 5'-AAATGTAAAACAAACCATTATGATGATTATAAGTCCTTACCTCCTGATATTCTTTATATT[G>A]TGTATCTACTAAGTCACGAACAACAGCAATGTGAGTAAACATCCACTGCGAAATCTCCTA-3'

ClinVar aggregate classification (germline): Pathogenic (1 of 4 stars; one submission).

Conditions:
Inborn genetic diseases. Identifiers: MedGen C0950123, MeSH D030342.

Submission:

Ambry Genetics
Classification: Pathogenic for Inborn genetic diseases. Last evaluated: 2025-12-15. Review status: criteria provided, single submitter. Criteria: Ambry Variant Classification Scheme 2023. Collection method: clinical testing. Allele origin: germline.
Comment: The c.6973C>T (p.Q2325*) alteration, located in exon 43 (coding exon 40) of the WDFY3 gene, consists of a C to T substitution at nucleotide position 6973. This changes the amino acid from a glutamine (Q) to a stop codon at amino acid position 2325. This alteration is expected to result in loss of function by premature protein truncation or nonsense-mediated mRNA decay. This variant was not reported in population-based cohorts in the Genome Aggregation Database (gnomAD). Based on the available evidence, this alteration is classified as pathogenic.